The following is an entry in ClinVar:

ClinVar aggregate classification (germline): Uncertain significance (1 of 4 stars; one submission).

Conditions:
Hereditary cancer-predisposing syndrome. Also called: Neoplastic Syndromes, Hereditary; Tumor predisposition; Hereditary neoplastic syndrome; Hereditary Cancer Syndrome. Identifiers: Orphanet 140162, MedGen C0027672, MeSH D009386, MONDO:0015356.

Submission:

Ambry Genetics
Classification: Uncertain significance for Hereditary cancer-predisposing syndrome. Last evaluated: 2023-01-19. Review status: criteria provided, single submitter. Criteria: Ambry Variant Classification Scheme 2023. Collection method: clinical testing. Allele origin: germline.
Comment: The p.I193V variant (also known as c.577A>G), located in coding exon 5 of the NBN gene, results from an A to G substitution at nucleotide position 577. The isoleucine at codon 193 is replaced by valine, an amino acid with highly similar properties. This amino acid position is not well conserved in available vertebrate species. In addition, this alteration is predicted to be tolerated by in silico analysis. Since supporting evidence is limited at this time, the clinical significance of this alteration remains unclear.

NM_002485.5(NBN):c.577A>G (p.Ile193Val)

Gene: NBN (nibrin; minus strand). Cytogenetic location: 8q21.3.
Variant type: single nucleotide variant.
Coding change: c.577A>G on transcript NM_002485.5 (MANE Select); coding-DNA position 577, A replaced by G.
Protein change: p.Ile193Val; replaces isoleucine 193 with valine.
Molecular consequence: missense variant.
Genome position (GRCh38, 1-based): chr8:89,978,227, T>C on the plus strand (A>G on the coding strand, the complement: NBN is on the minus strand). VCF-style: chr8-89978227-T-C. GRCh37 (hg19) VCF-style: chr8-90990455-T-C.
Other names: c.331A>G, p.Ile111Val (NM_001024688.3); short protein forms I111V, I193V.
Identifiers: ClinVar variation 2452398 (VCV002452398.2), dbSNP rs1811863033, ClinGen allele CA371660095.